The following is an entry in ClinVar:

NM_170606.3(KMT2C):c.5299A>G (p.Ile1767Val)

Gene: KMT2C (lysine methyltransferase 2C; minus strand). Cytogenetic location: 7q36.1.
Variant type: single nucleotide variant.
Coding change: c.5299A>G on transcript NM_170606.3 (MANE Select); coding-DNA position 5299, A replaced by G.
Protein change: p.Ile1767Val; replaces isoleucine 1767 with valine.
Molecular consequence: missense variant.
Genome position (GRCh38, 1-based): chr7:152,182,561, T>C on the plus strand (A>G on the coding strand, the complement: KMT2C is on the minus strand). VCF-style: chr7-152182561-T-C. GRCh37 (hg19) VCF-style: chr7-151879646-T-C.
Other names: short protein forms I1767V.
Identifiers: ClinVar variation 4070717 (VCV004070717.1).

ClinVar aggregate classification (germline): Uncertain significance (1 of 4 stars; one submission).

Submission:

GeneDx
Classification: Uncertain significance. Last evaluated: 2025-01-14. Review status: criteria provided, single submitter. Criteria: GeneDx Variant Classification Process June 2021. Collection method: clinical testing. Allele origin: germline. Affected: yes.
Comment: Not observed at significant frequency in large population cohorts (gnomAD); In silico analysis indicates that this missense variant does not alter protein structure/function; Has not been previously published as pathogenic or benign to our knowledge